The following is an entry in ClinVar:

ClinVar aggregate classification (germline): Likely benign (1 of 4 stars; one submission).

gnomAD v4.1: 1,625 of 1,025,498 alleles (0.16%); highest among the groups gnomAD compares: Admixed American, 0.4%; 595 homozygotes.

Submission:

CeGaT Center for Human Genetics Tuebingen
Classification: Likely benign. Last evaluated: 2025-11-01. Review status: criteria provided, single submitter. Criteria: CeGaT Center For Human Genetics Tuebingen Variant Classification Criteria Version 2. Collection method: clinical testing. Allele origin: germline. Affected: yes. Observed: 2 variant alleles.
Comment: HLA-DQA1: BP4, BS2

NM_002122.5(HLA-DQA1):c.319G>A (p.Ala107Thr)

Gene: HLA-DQA1 (major histocompatibility complex, class II, DQ alpha 1; plus strand). Cytogenetic location: 6p21.32.
Variant type: single nucleotide variant.
Coding change: c.319G>A on transcript NM_002122.5 (MANE Select); coding-DNA position 319, G replaced by A.
Protein change: p.Ala107Thr; replaces alanine 107 with threonine.
Molecular consequence: missense variant.
Genome position (GRCh38, 1-based): chr6:32,641,546, G>A. VCF-style: chr6-32641546-G-A. GRCh37 (hg19) VCF-style: chr6-32609323-G-A.
Other names: short protein forms A107T.
Identifiers: ClinVar variation 4083798 (VCV004083798.8).